The following is an entry in ClinVar:

ClinVar aggregate classification (germline): Uncertain significance (1 of 4 stars; one submission).

Conditions:
Angelman syndrome (AS). Also called: HAPPY PUPPET SYNDROME. Identifiers: Orphanet 72, MedGen C0162635, MONDO:0007113, OMIM 105830. Disease mechanism: loss of function. Inheritance: AS is caused by disruption of maternally imprinted UBE3A located within the 15q11.2-q13 Angelman syndrome/Prader-Willi syndrome (AS/PWS) region., imprinting disorder.

Submission:

Labcorp Genetics (formerly Invitae), Labcorp
Classification: Uncertain significance for Angelman syndrome. Last evaluated: 2022-07-06. Review status: criteria provided, single submitter. Criteria: Invitae Variant Classification Sherloc (09022015). Collection method: clinical testing. Allele origin: germline.
Comment: This variant has not been reported in the literature in individuals affected with UBE3A-related conditions. ClinVar contains an entry for this variant (Variation ID: 1389701). This variant is not present in population databases (gnomAD no frequency). This sequence change replaces alanine, which is neutral and non-polar, with valine, which is neutral and non-polar, at codon 72 of the UBE3A protein (p.Ala72Val). In summary, the available evidence is currently insufficient to determine the role of this variant in disease. Therefore, it has been classified as a Variant of Uncertain Significance. Algorithms developed to predict the effect of missense changes on protein structure and function are either unavailable or do not agree on the potential impact of this missense change (SIFT: "Not Available"; PolyPhen-2: "Benign"; Align-GVGD: "Not Available").

NM_130839.5(UBE3A):c.275C>T (p.Ala92Val)

Genes: SNHG14 (small nucleolar RNA host gene 14; plus strand), UBE3A (ubiquitin protein ligase E3A; minus strand). Cytogenetic location: 15q11.2.
Variant type: single nucleotide variant.
Coding change: c.275C>T on transcript NM_130839.5 (MANE Select); coding-DNA position 275, C replaced by T.
Protein change: p.Ala92Val; replaces alanine 92 with valine.
Molecular consequence: missense variant. On other transcripts: non-coding transcript variant (1).
Genome position (GRCh38, 1-based): chr15:25,375,551, G>A on the plus strand (C>T on the coding strand, the complement: UBE3A is on the minus strand). VCF-style: chr15-25375551-G-A. GRCh37 (hg19) VCF-style: chr15-25620698-G-A.
Other names: c.284C>T, p.Ala95Val (NM_000462.5); c.275C>T, p.Ala92Val (NM_001354505.1, NM_001354538.2, NM_001354545.2 and 1 more transcripts); c.215C>T, p.Ala72Val (NM_001354506.2, NM_001354507.2, NM_001354508.2 and 18 more transcripts); c.98C>T, p.Ala33Val (NM_001354546.2); short protein forms A72V, A33V, A92V, A95V.
Identifiers: ClinVar variation 1389701 (VCV001389701.6), dbSNP rs2152847994, ClinGen allele CA391356236.